The following is an entry in ClinVar:

ClinVar aggregate classification (germline): Likely pathogenic. Review status: criteria provided, multiple submitters, no conflicts (2 of 4 stars). 2 submissions from 2 submitters: Likely pathogenic (2). Last evaluated 2024-06-18.

Allele frequency attached by ClinVar (database versions not stated): gnomAD exomes below 0.00001.
gnomAD v4.1: 1 of 1,613,944 alleles (0.000062%); highest among the groups gnomAD compares: Non-Finnish European, 0.000085%; no homozygotes.

Submissions (2):

GeneDx
Classification: Likely pathogenic. Last evaluated: 2024-06-18. Review status: criteria provided, single submitter. Criteria: GeneDx Variant Classification Process June 2021. Collection method: clinical testing. Allele origin: germline. Affected: yes.
Comment: Published functional studies suggests R1638H results in more depolarizing potential and an increase in the inactivation time constant; however, no difference was observed in activation kinetics compared to wildtype (PMID: 10435996); Not observed at significant frequency in large population cohorts (gnomAD); In silico analysis supports that this missense variant has a deleterious effect on protein structure/function; This variant is associated with the following publications: (PMID: 11567038, 11118488, 10435996, 11170622)

CeGaT Center for Human Genetics Tuebingen
Classification: Likely pathogenic. Last evaluated: 2023-07-01. Review status: criteria provided, single submitter. Criteria: CeGaT Center For Human Genetics Tuebingen Variant Classification Criteria Version 2. Collection method: clinical testing. Allele origin: germline. Affected: yes. Observed: 1 variant allele.
Comment: SCN2A: PM1, PM2, PM5, PP2, PP3

NM_001040142.2(SCN2A):c.4913G>A (p.Arg1638His)

Gene: SCN2A (sodium voltage-gated channel alpha subunit 2; plus strand). Cytogenetic location: 2q24.3.
Variant type: single nucleotide variant.
Coding change: c.4913G>A on transcript NM_001040142.2 (MANE Select); coding-DNA position 4913, G replaced by A.
Protein change: p.Arg1638His; replaces arginine 1638 with histidine.
Molecular consequence: missense variant.
Genome position (GRCh38, 1-based): chr2:165,388,719, G>A. VCF-style: chr2-165388719-G-A. GRCh37 (hg19) VCF-style: chr2-166245229-G-A.
Other names: c.4913G>A, p.Arg1638His (NM_001040143.2, NM_001371246.1, NM_001371247.1 and 1 more transcripts); c.4913G>A (NM_021007.2); short protein forms R1638H.
Identifiers: ClinVar variation 2578870 (VCV002578870.26), dbSNP rs1702006258, ClinGen allele CA349037777.